The following is an entry in ClinVar:

ClinVar aggregate classification (germline): Likely benign. Review status: criteria provided, single submitter (1 of 4 stars). 2 submissions from 2 submitters: Likely benign (1). 1 of the submissions does not count toward it. Last evaluated 2019-12-31.

Conditions:
DISC1-related disorder. Also called: DISC1-related condition.

Allele frequency attached by ClinVar (database versions not stated): 1000 Genomes Project 30x 0.00031; 1000 Genomes Project 0.00040; TOPMed 0.00071; ESP Exome Variant Server 0.00085; gnomAD exomes 0.00124 and 0.00143; gnomAD 0.00132 and 0.00138; ExAC 0.00172.
gnomAD v4.1: 1,991 of 1,614,230 alleles (0.12%); highest among the groups gnomAD compares: Non-Finnish European, 0.13%; 3 homozygotes.

Submissions (2):

Labcorp Genetics (formerly Invitae), Labcorp
Classification: Likely benign. Last evaluated: 2019-12-31. Review status: criteria provided, single submitter. Criteria: Invitae Variant Classification Sherloc (09022015). Collection method: clinical testing. Allele origin: germline.

PreventionGenetics, part of Exact Sciences
Classification: Likely benign for DISC1-related condition. Last evaluated: 2024-02-27. Review status: no assertion criteria provided. Collection method: clinical testing. Allele origin: germline. Not counted in ClinVar's aggregate classification.
Comment: This variant is classified as likely benign based on ACMG/AMP sequence variant interpretation guidelines (Richards et al. 2015 PMID: 25741868, with internal and published modifications).

NM_018662.3(DISC1):c.479G>T (p.Trp160Leu)

Genes: DISC1 (DISC1 scaffold protein; plus strand), TSNAX-DISC1 (TSNAX-DISC1 readthrough (NMD candidate); plus strand). Cytogenetic location: 1q42.2.
Variant type: single nucleotide variant.
Coding change: c.479G>T on transcript NM_018662.3 (MANE Select); coding-DNA position 479, G replaced by T.
Protein change: p.Trp160Leu; replaces tryptophan 160 with leucine.
Molecular consequence: missense variant. On other transcripts: non-coding transcript variant (8), intron variant (1).
Genome position (GRCh38, 1-based): chr1:231,694,237, G>T. VCF-style: chr1-231694237-G-T. GRCh37 (hg19) VCF-style: chr1-231829983-G-T.
Other names: c.479G>T, p.Trp160Leu (NM_001012957.2, NM_001012958.2, NM_001012959.2 and 18 more transcripts); c.68-55689G>T (NM_001164556.2); short protein forms W160L.
Identifiers: ClinVar variation 714799 (VCV000714799.6), dbSNP rs143796295, ClinGen allele CA1453605.